The following is an entry in ClinVar:

ClinVar aggregate classification (germline): Pathogenic. Review status: reviewed by expert panel (3 of 4 stars). 5 submissions from 5 submitters: Pathogenic (1). 4 of the submissions do not count toward it. Last evaluated 2016-10-18.

Conditions:
Hereditary cancer-predisposing syndrome. Also called: Tumor predisposition; Neoplastic Syndromes, Hereditary; Hereditary Cancer Syndrome; Hereditary neoplastic syndrome. Identifiers: Orphanet 140162, MedGen C0027672, MeSH D009386, MONDO:0015356.
Hereditary breast ovarian cancer syndrome. Also called: Hereditary breast and ovarian cancer; Hereditary breast and ovarian cancer syndrome (HBOC); Breast and ovarian cancer; BRCA1- and BRCA2-Associated Hereditary Breast and Ovarian Cancer; Hereditary breast and ovarian cancer syndrome; Hereditary breast and/or ovarian cancer syndrome. Identifiers: Orphanet 145, MedGen C0677776, MeSH D061325, MONDO:0003582. Disease mechanism: loss of function.
Breast-ovarian cancer, familial, susceptibility to, 2 (BROVCA2). Also called: BRCA2 Hereditary Breast and Ovarian Cancer. Identifiers: Orphanet 145, MedGen C2675520, MONDO:0012933, OMIM 612555. Disease mechanism: loss of function.

Submissions (5):

Evidence-based Network for the Interpretation of Germline Mutant Alleles (ENIGMA)
Classification: Pathogenic for Breast-ovarian cancer, familial, susceptibility to, 2. Last evaluated: 2016-10-18. Review status: reviewed by expert panel. Criteria: ENIGMA BRCA1/2 Classification Criteria (2015). Collection method: curation. Allele origin: germline.
Comment: Variant allele predicted to encode a truncated non-functional protein.

Ambry Genetics
Classification: Pathogenic for Hereditary cancer-predisposing syndrome. Last evaluated: 2026-08-17. Review status: criteria provided, single submitter. Criteria: Ambry Variant Classification Scheme 2023. Collection method: clinical testing. Allele origin: germline. Not counted in ClinVar's aggregate classification.
Comment: The c.857_860dupCAAT pathogenic mutation, located in coding exon 9 of the BRCA2 gene, results from a duplication of CAAT at nucleotide positions 857 to 860, causing a translational frameshift with a predicted alternate stop codon (p.M287Ifs*9). This variant is considered to be rare based on population cohorts in the Genome Aggregation Database (gnomAD). This variant is expected to result in loss of function by premature protein truncation or nonsense-mediated mRNA decay. As such, this variant is interpreted as a disease-causing mutation.

Women's Health and Genetics/Laboratory Corporation of America, LabCorp
Classification: Pathogenic for Hereditary breast ovarian cancer syndrome. Last evaluated: 2025-09-29. Review status: criteria provided, single submitter. Criteria: LabCorp Variant Classification Summary - May 2015. Collection method: clinical testing. Allele origin: germline. Not counted in ClinVar's aggregate classification.
Comment: Variant summary: BRCA2 c.857_860dupCAAT (p.Met287IlefsX9) results in a premature termination codon, predicted to cause a truncation of the encoded protein or absence of the protein due to nonsense mediated decay, which are commonly known mechanisms for disease. The variant was absent in 240246 control chromosomes. c.857_860dupCAAT has been observed in individual(s) affected with Hereditary Breast And Ovarian Cancer Syndrome (Rebbeck_2018). To our knowledge, no experimental evidence demonstrating an impact on protein function has been reported. The following publication have been ascertained in the context of this evaluation (PMID: 29446198). ClinVar contains an entry for this variant (Variation ID: 233409). Based on the evidence outlined above, the variant was classified as pathogenic.

Labcorp Genetics (formerly Invitae), Labcorp
Classification: Pathogenic for Hereditary breast ovarian cancer syndrome. Last evaluated: 2024-11-02. Review status: criteria provided, single submitter. Criteria: Invitae Variant Classification Sherloc (09022015). Collection method: clinical testing. Allele origin: germline. Not counted in ClinVar's aggregate classification.
Comment: This sequence change creates a premature translational stop signal (p.Met287Ilefs*9) in the BRCA2 gene. It is expected to result in an absent or disrupted protein product. Loss-of-function variants in BRCA2 are known to be pathogenic (PMID: 20104584). This variant is not present in population databases (gnomAD no frequency). This premature translational stop signal has been observed in individual(s) with high risk of breast and/or ovarian cancer (PMID: 29446198). ClinVar contains an entry for this variant (Variation ID: 233409). For these reasons, this variant has been classified as Pathogenic.

Consortium of Investigators of Modifiers of BRCA1/2 (CIMBA), c/o University of Cambridge
Classification: Pathogenic for Breast-ovarian cancer, familial, susceptibility to, 2. Last evaluated: 2015-10-02. Review status: criteria provided, single submitter. Criteria: CIMBA Mutation Classification guidelines May 2016. Collection method: clinical testing. Allele origin: germline. Not counted in ClinVar's aggregate classification.

Literature cited by the submitters: PubMed 29446198 (cited by Women's Health and Genetics/Laboratory Corporation of America, LabCorp and Labcorp Genetics (formerly Invitae), Labcorp); PubMed 20104584 (cited by Labcorp Genetics (formerly Invitae), Labcorp).

NM_000059.4(BRCA2):c.857_860dup (p.Met287fs)

Gene: BRCA2 (BRCA2 DNA repair associated; plus strand). Cytogenetic location: 13q13.1.
Variant type: Duplication.
Coding change: c.857_860dup on transcript NM_000059.4 (MANE Select); coding-DNA positions 857 to 860, 4 bases duplicated (CAAT; older notation c.857_860dupCAAT).
Protein change: p.Met287fs; shifts the reading frame from methionine 287.
Molecular consequence: frameshift variant.
Genome position (GRCh38, 1-based): chr13:32,332,335-32,332,338, CAAT duplicated; duplicating any 4 consecutive bases within chr13:32,332,334-32,332,338 gives the same sequence; the c. name uses the placement nearest the transcript's 3' end. VCF-style (leftmost placement, unchanged base first): chr13-32332333-G-GTCAA. GRCh37 (hg19) VCF-style: chr13-32906470-G-GTCAA.
Other names: 1088ins4; c.857_860dupCAAT (NM_000059.3, NM_000059.4); short protein forms M287fs.
Identifiers: ClinVar variation 233409 (VCV000233409.19), dbSNP rs876660385, ClinGen allele CA10579476.